The following is an entry in ClinVar:

ClinVar aggregate classification (germline): Uncertain significance (1 of 4 stars; one submission).

Submission:

GeneDx
Classification: Uncertain significance. Last evaluated: 2024-03-22. Review status: criteria provided, single submitter. Criteria: GeneDx Variant Classification Process June 2021. Collection method: clinical testing. Allele origin: germline. Affected: yes.
Comment: In silico analysis supports that this missense variant has a deleterious effect on protein structure/function; Has not been previously published as pathogenic or benign to our knowledge

NM_000173.7(GP1BA):c.1579T>G (p.Cys527Gly)

Gene: GP1BA (glycoprotein Ib platelet subunit alpha; plus strand). Cytogenetic location: 17p13.2.
Variant type: single nucleotide variant.
Coding change: c.1579T>G on transcript NM_000173.7 (MANE Select); coding-DNA position 1579, T replaced by G.
Protein change: p.Cys527Gly; replaces cysteine 527 with glycine.
Molecular consequence: missense variant.
Genome position (GRCh38, 1-based): chr17:4,934,183, T>G. VCF-style: chr17-4934183-T-G. GRCh37 (hg19) VCF-style: chr17-4837478-T-G.
Other names: short protein forms C527G.
Identifiers: ClinVar variation 3371132 (VCV003371132.1).
Genomic context (GRCh38, chr17:4,934,183, plus strand): 5'-GTGCTCCAAGGGCATTTGGAGAGCTCCAGAAATGACCCTTTTCTCCACCCCGACTTTTGC[T>G]GCCTCCTCCCCCTGGGCTTCTATGTCTTGGGTCTCTTCTGGCTGCTCTTTGCCTCTGTGG-3'
Protein context (NP_000164.5, residues 517-537): NDPFLHPDFC[Cys527Gly]LLPLGFYVLG